The following is an entry in ClinVar:

NC_012920.1(MT-CYB):m.15813T>C

Gene: MT-CYB (mitochondrially encoded cytochrome b; plus strand).
Variant type: single nucleotide variant.
Genome position: chrM-15813-T-C.
Identifiers: ClinVar variation 693959 (VCV000693959.1), dbSNP rs1603225521, ClinGen allele CA913174914.

ClinVar aggregate classification (germline): Benign (1 of 4 stars; one submission).

Conditions:
Leigh syndrome (NULS). Also called: Leigh's necrotizing encephalopathy; Leigh's disease; Leigh's syndrome; LEIGH SYNDROME, NUCLEAR; Leigh Syndrome (mtDNA deletion); Leigh Disease. Identifiers: Orphanet 506, MedGen C2931891, MONDO:0009723, OMIM 256000.

Submission:

Wong Mito Lab, Molecular and Human Genetics, Baylor College of Medicine
Classification: Benign for Leigh syndrome. Last evaluated: 2019-10-17. Review status: criteria provided, single submitter. Criteria: Modified ACMG Guidelines (Unpublished). Collection method: clinical testing. Allele origin: germline.
Comment: The NC_012920.1:m.15813T>C (YP_003024038.1:p.Val356Ala) variant in MTCYB gene is interpretated to be a Benign variant based on the modified ACMG guidelines (unpublished). This variant meets the following evidence codes: BS1, BS2, BP4